The following is an entry in ClinVar:

ClinVar aggregate classification (germline): Uncertain significance. Review status: criteria provided, multiple submitters, no conflicts (2 of 4 stars). 2 submissions from 2 submitters: Uncertain significance (2). Last evaluated 2025-10-28.

Conditions:
Tuberous sclerosis 1 (TSC1). Identifiers: Orphanet 805, MedGen C1854465, MONDO:0008612, OMIM 191100.
Hereditary cancer-predisposing syndrome. Also called: Tumor predisposition; Neoplastic Syndromes, Hereditary; Hereditary neoplastic syndrome; Hereditary Cancer Syndrome. Identifiers: Orphanet 140162, MedGen C0027672, MeSH D009386, MONDO:0015356.

Submissions (2):

Ambry Genetics
Classification: Uncertain significance for Hereditary cancer-predisposing syndrome. Last evaluated: 2025-10-28. Review status: criteria provided, single submitter. Criteria: Ambry Variant Classification Scheme 2023. Collection method: clinical testing. Allele origin: germline.
Comment: The c.2446_2447delAAinsGC variant, located in coding exon 17 of the TSC1 gene, results from an in-frame deletion of AA and insertion of GC at nucleotide positions 2446 to 2447. This results in the substitution of the lysine residue for an alanine residue at codon 816, an amino acid with dissimilar properties. This amino acid position is well conserved in available vertebrate species. In addition, this variant is predicted to be neutral by in silico analysis (Choi Y et al. PLoS ONE. 2012; 7(10):e46688). Based on the available evidence, the clinical significance of this variant remains unclear.

Labcorp Genetics (formerly Invitae), Labcorp
Classification: Uncertain significance for Tuberous sclerosis 1. Last evaluated: 2022-01-31. Review status: criteria provided, single submitter. Criteria: Invitae Variant Classification Sherloc (09022015). Collection method: clinical testing. Allele origin: germline.
Comment: In summary, the available evidence is currently insufficient to determine the role of this variant in disease. Therefore, it has been classified as a Variant of Uncertain Significance. Algorithms developed to predict the effect of missense changes on protein structure and function are either unavailable or do not agree on the potential impact of this missense change (SIFT: "Not Available"; PolyPhen-2: "Possibly Damaging"; Align-GVGD: "Not Available"). This variant has not been reported in the literature in individuals affected with TSC1-related conditions. Information on the frequency of this variant in the gnomAD database is not available, as this variant may be reported differently in the database. This sequence change replaces lysine, which is basic and polar, with alanine, which is neutral and non-polar, at codon 816 of the TSC1 protein (p.Lys816Ala).

NM_000368.5(TSC1):c.2446_2447delinsGC (p.Lys816Ala)

Gene: TSC1 (TSC complex subunit 1; minus strand). Cytogenetic location: 9q34.13.
Variant type: Indel.
Coding change: c.2446_2447delinsGC on transcript NM_000368.5 (MANE Select); coding-DNA positions 2446 to 2447, AA replaced by GC.
Protein change: p.Lys816Ala; replaces lysine 816 with alanine.
Molecular consequence: missense variant.
Genome position (GRCh38, 1-based): chr9:132,901,644-132,901,645, TT replaced by GC on the plus strand (AA replaced by GC on the coding strand, the reverse complement: TSC1 is on the minus strand). VCF-style: chr9-132901644-TT-GC. GRCh37 (hg19) VCF-style: chr9-135777031-TT-GC.
Other names: c.2443_2444delinsGC, p.Lys815Ala (NM_001162426.2); c.2293_2294delinsGC, p.Lys765Ala (NM_001162427.2); c.2083_2084delinsGC, p.Lys695Ala (NM_001362177.2); c.2446_2447delAAinsGC, p.Lys816Ala (NM_001406592.1, NM_001406593.1, NM_001406594.1 and 5 more transcripts); c.2443_2444delAAinsGC, p.Lys815Ala (NM_001406597.1, NM_001406598.1, NM_001406599.1 and 3 more transcripts); c.2431_2432delAAinsGC, p.Lys811Ala (NM_001406601.1, NM_001406602.1); c.2428_2429delAAinsGC, p.Lys810Ala (NM_001406603.1, NM_001406604.1); c.2293_2294delAAinsGC, p.Lys765Ala (NM_001406610.1); and 6 more; short protein forms K499A, K815A, K816A, K694A, K695A, K811A, K498A, K764A.
Identifiers: ClinVar variation 2091269 (VCV002091269.5), dbSNP rs2538575404, ClinGen allele CA2580080136.